The following is an entry in ClinVar:

ClinVar aggregate classification (germline): Uncertain significance (1 of 4 stars; one submission).

Allele frequency attached by ClinVar (database versions not stated): ExAC 0.00001; gnomAD 0.00002; TOPMed 0.00002; ESP Exome Variant Server 0.00017.
gnomAD v4.1: 3 of 1,594,510 alleles (0.00019%); highest among the groups gnomAD compares: African/African-American, 0.004%; no homozygotes.

Submission:

Labcorp Genetics (formerly Invitae), Labcorp
Classification: Uncertain significance. Last evaluated: 2023-05-23. Review status: criteria provided, single submitter. Criteria: Invitae Variant Classification Sherloc (09022015). Collection method: clinical testing. Allele origin: germline.
Comment: An algorithm developed to predict the effect of missense changes on protein structure and function (PolyPhen-2) suggests that this variant is likely to be disruptive. In summary, the available evidence is currently insufficient to determine the role of this variant in disease. Therefore, it has been classified as a Variant of Uncertain Significance. ClinVar contains an entry for this variant (Variation ID: 2167245). This variant has not been reported in the literature in individuals affected with A2ML1-related conditions. This variant is present in population databases (rs371274266, gnomAD 0.007%). This sequence change replaces asparagine, which is neutral and polar, with lysine, which is basic and polar, at codon 867 of the A2ML1 protein (p.Asn867Lys).

NM_144670.6(A2ML1):c.2601C>G (p.Asn867Lys)

Gene: A2ML1 (alpha-2-macroglobulin like 1; plus strand). Cytogenetic location: 12p13.31.
Variant type: single nucleotide variant.
Coding change: c.2601C>G on transcript NM_144670.6 (MANE Select); coding-DNA position 2601, C replaced by G.
Protein change: p.Asn867Lys; replaces asparagine 867 with lysine.
Molecular consequence: missense variant.
Genome position (GRCh38, 1-based): chr12:8,854,138, C>G. VCF-style: chr12-8854138-C-G. GRCh37 (hg19) VCF-style: chr12-9006734-C-G.
Other names: c.1128C>G, p.Asn376Lys (NM_001282424.3); short protein forms N867K, N376K.
Identifiers: ClinVar variation 2167245 (VCV002167245.4), dbSNP rs371274266, ClinGen allele CA6436073.